The following is an entry in ClinVar:

ClinVar aggregate classification (germline): Uncertain significance (1 of 4 stars; one submission).

Submission:

Labcorp Genetics (formerly Invitae), Labcorp
Classification: Uncertain significance. Last evaluated: 2024-02-23. Review status: criteria provided, single submitter. Criteria: Invitae Variant Classification Sherloc (09022015). Collection method: clinical testing. Allele origin: germline.
Comment: This sequence change replaces asparagine, which is neutral and polar, with lysine, which is basic and polar, at codon 720 of the OTOA protein (p.Asn720Lys). This variant is not present in population databases (gnomAD no frequency). This variant has not been reported in the literature in individuals affected with OTOA-related conditions. ClinVar contains an entry for this variant (Variation ID: 1485323). An algorithm developed to predict the effect of missense changes on protein structure and function (PolyPhen-2) suggests that this variant is likely to be tolerated. In summary, the available evidence is currently insufficient to determine the role of this variant in disease. Therefore, it has been classified as a Variant of Uncertain Significance.

NM_144672.4(OTOA):c.2160C>G (p.Asn720Lys)

Gene: OTOA (otoancorin). Cytogenetic location: 16p12.2.
Variant type: single nucleotide variant.
Coding change: c.2160C>G on transcript NM_144672.4 (MANE Select); coding-DNA position 2160, C replaced by G.
Protein change: p.Asn720Lys; replaces asparagine 720 with lysine.
Molecular consequence: missense variant.
Genome position (GRCh38, 1-based): chr16:21,728,384, C>G. VCF-style: chr16-21728384-C-G. GRCh37 (hg19) VCF-style: chr16-21739705-C-G.
Other names: c.1923C>G, p.Asn641Lys (NM_001161683.2); c.1188C>G, p.Asn396Lys (NM_170664.3); short protein forms N720K, N396K, N641K.
Identifiers: ClinVar variation 1485323 (VCV001485323.8), dbSNP rs1313592548, ClinGen allele CA395062438.